The following is an entry in ClinVar:

NM_001060.6(TBXA2R):c.647C>T (p.Thr216Met)

Gene: TBXA2R (thromboxane A2 receptor; minus strand). Cytogenetic location: 19p13.3.
Variant type: single nucleotide variant.
Coding change: c.647C>T on transcript NM_001060.6 (MANE Select); coding-DNA position 647, C replaced by T.
Protein change: p.Thr216Met; replaces threonine 216 with methionine.
Molecular consequence: missense variant.
Genome position (GRCh38, 1-based): chr19:3,599,988, G>A on the plus strand (C>T on the coding strand, the complement: TBXA2R is on the minus strand). VCF-style: chr19-3599988-G-A. GRCh37 (hg19) VCF-style: chr19-3599986-G-A.
Other names: c.647C>T, p.Thr216Met (NM_201636.3); short protein forms T216M.
Identifiers: ClinVar variation 4743146 (VCV004743146.1).
Genomic context (GRCh38, chr19:3,599,988, plus strand): 5'-GGACGCTGCTGGGCCGCCTCCTGCCCGTGGTAGACGTGGCACAGGGTGGCCACGCTGACC[G>A]TGTTCAGCAGGAAGGACAGCCCGACCGAGAGGCCGCCCAGCATGGAGAAGAGCAGCCCGA-3'
Protein context (NP_001051.1, residues 206-226): LSVGLSFLLN[Thr216Met]VSVATLCHVY

ClinVar aggregate classification (germline): Uncertain significance (1 of 4 stars; one submission).

gnomAD v4.1: 1 of 1,606,890 alleles (0.000062%); highest among the groups gnomAD compares: Non-Finnish European, 0.000085%; no homozygotes.

Submission:

Labcorp Genetics (formerly Invitae), Labcorp
Classification: Uncertain significance. Last evaluated: 2025-11-15. Review status: criteria provided, single submitter. Criteria: Invitae Variant Classification Sherloc (09022015). Collection method: clinical testing. Allele origin: germline.
Comment: This sequence change replaces threonine, which is neutral and polar, with methionine, which is neutral and non-polar, at codon 216 of the TBXA2R protein (p.Thr216Met). This variant is not present in population databases (gnomAD no frequency). This variant has not been reported in the literature in individuals affected with TBXA2R-related conditions. Invitae Evidence Modeling of protein sequence and biophysical properties (such as structural, functional, and spatial information, amino acid conservation, physicochemical variation, residue mobility, and thermodynamic stability) indicates that this missense variant is not expected to disrupt TBXA2R protein function with a negative predictive value of 80%. In summary, the available evidence is currently insufficient to determine the role of this variant in disease. Therefore, it has been classified as a Variant of Uncertain Significance.